The following is an entry in ClinVar:

NM_003718.5(CDK13):c.58A>T (p.Lys20Ter)

Gene: CDK13 (cyclin dependent kinase 13; plus strand). Cytogenetic location: 7p14.1.
Variant type: single nucleotide variant.
Coding change: c.58A>T on transcript NM_003718.5 (MANE Select); coding-DNA position 58, A replaced by T.
Protein change: p.Lys20Ter; replaces lysine 20 with a stop codon.
Molecular consequence: nonsense.
Genome position (GRCh38, 1-based): chr7:39,950,699, A>T. VCF-style: chr7-39950699-A-T. GRCh37 (hg19) VCF-style: chr7-39990298-A-T.
Other names: c.58A>T, p.Lys20Ter (NM_031267.4); short protein forms K20*.
Identifiers: ClinVar variation 3368303 (VCV003368303.1).

ClinVar aggregate classification (germline): Uncertain significance (1 of 4 stars; one submission).

gnomAD v4.1: 1 of 1,442,492 alleles (0.000069%); no homozygotes.

Submission:

GeneDx
Classification: Uncertain significance. Last evaluated: 2024-01-24. Review status: criteria provided, single submitter. Criteria: GeneDx Variant Classification Process June 2021. Collection method: clinical testing. Allele origin: germline. Affected: yes.
Comment: Not observed at significant frequency in large population cohorts (gnomAD); Nonsense variant predicted to result in protein truncation or nonsense mediated decay in a gene or region of a gene for which loss of function is not a well-established mechanism of disease; Has not been previously published as pathogenic or benign to our knowledge